The following is an entry in ClinVar:

NM_031407.7(HUWE1):c.9668T>C (p.Ile3223Thr)

Gene: HUWE1 (HECT, UBA and WWE domain containing E3 ubiquitin protein ligase 1; minus strand). Cytogenetic location: Xp11.22.
Variant type: single nucleotide variant.
Coding change: c.9668T>C on transcript NM_031407.7 (MANE Select); coding-DNA position 9668, T replaced by C.
Protein change: p.Ile3223Thr; replaces isoleucine 3223 with threonine.
Molecular consequence: missense variant.
Genome position (GRCh38, 1-based): chrX:53,549,326, A>G on the plus strand (T>C on the coding strand, the complement: HUWE1 is on the minus strand). VCF-style: chrX-53549326-A-G. GRCh37 (hg19) VCF-style: chrX-53576287-A-G.
Other names: c.9665T>C, p.Ile3222Thr (NM_001441048.1, NM_001441051.1, NM_001441053.1 and 2 more transcripts); c.9668T>C, p.Ile3223Thr (NM_001441049.1, NM_001441054.1, NM_001441057.1); c.9689T>C, p.Ile3230Thr (NM_001441050.1, NM_001441055.1); c.9266T>C, p.Ile3089Thr (NM_001441052.1); short protein forms I3089T, I3222T, I3223T, I3230T.
Identifiers: ClinVar variation 4819051 (VCV004819051.1).
Genomic context (GRCh38, chrX:53,549,326, plus strand): 5'-GGTGTTTCAATGCATAGCTCACTCTCACTGCTGCGCTGCAAGATGGAGAGCAGACTGCGG[A>G]TGACCCAGTGGCGGGTCTGGGCATGGTAGCAGAGATTTCTCAGTACTCGGTGTAGACGGC-3'
Protein context (NP_113584.3, residues 3213-3233): CYHAQTRHWV[Ile3223Thr]RSLLSILQRS

ClinVar aggregate classification (germline): Uncertain significance (1 of 4 stars; one submission).

Conditions:
Intellectual developmental disorder, X-linked, syndromic, Turner type. Also called: X-linked intellectual disability, Turner type; Intellectual disability, X-linked syndromic, Turner type. Identifiers: Orphanet 3056, Orphanet 85328, MedGen C2678046, MONDO:0010407, OMIM 309590.

gnomAD v4.1: 3 of 1,211,973 alleles (0.00025%); highest among the groups gnomAD compares: Non-Finnish European, 0.00034%; no homozygotes.

Submission:

Victorian Clinical Genetics Services, Murdoch Childrens Research Institute
Classification: Uncertain significance for Intellectual developmental disorder, X-linked, syndromic, Turner type. Last evaluated: 2025-12-11. Review status: criteria provided, single submitter. Criteria: ACMG Guidelines, 2015. Collection method: clinical testing. Allele origin: germline. Affected: yes.
Comment: This variant is classified as VUS-3B. Evidence in support of pathogenic classification: Variant is present in gnomAD <0.001 (v4: 3 heterozygote(s), 0 homozygote(s), 0 hemizygote(s)). Additional information: Variant is predicted to result in a missense amino acid change from Ile to Thr; This variant is hemizygous; This gene is associated with X-linked disease. Due to skewed X-inactivation, females with heterozygous variants can be variably affected, with symptoms ranging from asymptomatic to full manifestation of the condition (PMID: 29180823); This variant has no previous evidence of pathogenicity; No published evidence of segregation with disease has been identified for this variant; No published functional evidence has been identified for this variant; No comparable missense variants have previous evidence for pathogenicity; Variant is not located in an established domain, motif, hotspot or informative constraint region; Missense variant with inconclusive in silico prediction and/or uninformative conservation; Loss of function and gain of function are known mechanisms of disease in this gene and are associated with intellectual developmental disorder, X-linked syndromic, Turner type (MIM#309590) (PMID: 27130160).

Literature cited by the submitters: PubMed 29180823; PubMed 27130160.